The following is an entry in ClinVar:

NM_007294.4(BRCA1):c.911del (p.Phe304fs)

Gene: BRCA1 (BRCA1 DNA repair associated; minus strand). Cytogenetic location: 17q21.31.
Variant type: Deletion.
Coding change: c.911del on transcript NM_007294.4 (MANE Select); coding-DNA position 911, one base deleted (T; older notation c.911delT).
Protein change: p.Phe304fs; shifts the reading frame from phenylalanine 304.
Molecular consequence: frameshift variant. On other transcripts: intron variant (137).
Genome position (GRCh38, 1-based): chr17:43,094,620, A deleted on the plus strand (T on the coding strand, the reverse complement: BRCA1 is on the minus strand); the first of 2 consecutive A bases (chr17:43,094,620-43,094,621); deleting either gives the same sequence. VCF-style (leftmost placement, unchanged base first): chr17-43094619-GA-G. GRCh37 (hg19) VCF-style: chr17-41246636-GA-G.
Other names: 1030delT; c.911del, p.Phe304fs (NM_001407854.1, NM_001407858.1, NM_001407859.1 and 30 more transcripts); c.908del, p.Phe303fs (NM_001407860.1, NM_001407861.1, NM_001407587.1 and 22 more transcripts); c.710del, p.Phe237fs (NM_001407862.1); c.788del, p.Phe263fs (NM_001407863.1, NM_001407919.1, NM_001407937.1 and 19 more transcripts); c.707del, p.Phe236fs (NM_001407874.1, NM_001407875.1); c.701del, p.Phe234fs (NM_001407879.1, NM_001407881.1, NM_001407882.1 and 13 more transcripts); c.698del, p.Phe233fs (NM_001407894.1, NM_001407895.1, NM_001407896.1 and 9 more transcripts); and 42 more; short protein forms F304fs, F257fs, F136fs, F177fs, F256fs, F303fs, F8fs, F176fs.
Identifiers: ClinVar variation 55751 (VCV000055751.3), dbSNP rs80357622, ClinGen allele CA003962.

ClinVar aggregate classification (germline): Pathogenic. Review status: reviewed by expert panel (3 of 4 stars). 2 submissions from 2 submitters: Pathogenic (1). 1 of the submissions does not count toward it. Last evaluated 2016-09-08.

Conditions:
Breast-ovarian cancer, familial, susceptibility to, 1 (BROVCA1). Also called: BRCA1 Hereditary Breast and Ovarian Cancer; OVARIAN CANCER, SUSCEPTIBILITY TO. Identifiers: Orphanet 145, MedGen C2676676, MONDO:0011450, OMIM 604370. Disease mechanism: loss of function.

Submissions (2):

Evidence-based Network for the Interpretation of Germline Mutant Alleles (ENIGMA)
Classification: Pathogenic for Breast-ovarian cancer, familial, susceptibility to, 1. Last evaluated: 2016-09-08. Review status: reviewed by expert panel. Criteria: ENIGMA BRCA1/2 Classification Criteria (2015). Collection method: curation. Allele origin: germline.
Comment: Variant allele predicted to encode a truncated non-functional protein.

Breast Cancer Information Core (BIC) (BRCA1)
Classification: Pathogenic for Breast-ovarian cancer, familial 1. Last evaluated: 2003-12-23. Review status: no assertion criteria provided. Collection method: clinical testing. Allele origin: germline. Affected: yes. Observed: 1 variant allele. Not counted in ClinVar's aggregate classification.